The following is an entry in ClinVar:

ClinVar aggregate classification (germline): Uncertain significance. Review status: criteria provided, multiple submitters, no conflicts (2 of 4 stars). 3 submissions from 3 submitters: Uncertain significance (3). Last evaluated 2023-02-08.

Conditions:
Autosomal recessive limb-girdle muscular dystrophy type 2D (LGMDR3). Also called: DUCHENNE-LIKE AUTOSOMAL RECESSIVE MUSCULAR DYSTROPHY, TYPE 2; ADHALINOPATHY, PRIMARY; MUSCULAR DYSTROPHY, LIMB-GIRDLE, AUTOSOMAL RECESSIVE 3. Identifiers: Orphanet 62, MedGen C2936332, MONDO:0011968, OMIM 608099. Disease mechanism: Affects gamma-sarcoglycan and also disrupts the integrity of the entire sarcoglycan complex..

gnomAD v4.1: 5 of 1,614,020 alleles (0.00031%); highest among the groups gnomAD compares: Non-Finnish European, 0.00042%; no homozygotes.

Submissions (3):

Genome-Nilou Lab
Classification: Uncertain significance for Autosomal recessive limb-girdle muscular dystrophy type 2D. Last evaluated: 2023-02-08. Review status: criteria provided, single submitter. Criteria: ACMG Guidelines, 2015. Collection method: clinical testing. Allele origin: germline.

Labcorp Genetics (formerly Invitae), Labcorp
Classification: Uncertain significance for Autosomal recessive limb-girdle muscular dystrophy type 2D. Last evaluated: 2021-12-21. Review status: criteria provided, single submitter. Criteria: Invitae Variant Classification Sherloc (09022015). Collection method: clinical testing. Allele origin: germline.
Comment: This sequence change replaces valine, which is neutral and non-polar, with leucine, which is neutral and non-polar, at codon 261 of the SGCA protein (p.Val261Leu). This variant is present in population databases (no rsID available, gnomAD 0.0009%). This variant has not been reported in the literature in individuals affected with SGCA-related conditions. ClinVar contains an entry for this variant (Variation ID: 931988). Advanced modeling of protein sequence and biophysical properties (such as structural, functional, and spatial information, amino acid conservation, physicochemical variation, residue mobility, and thermodynamic stability) performed at Invitae indicates that this missense variant is not expected to disrupt SGCA protein function. In summary, the available evidence is currently insufficient to determine the role of this variant in disease. Therefore, it has been classified as a Variant of Uncertain Significance.

Centre for Mendelian Genomics, University Medical Centre Ljubljana
Classification: Uncertain significance for Autosomal recessive limb-girdle muscular dystrophy type 2D. Last evaluated: 2019-11-19. Review status: criteria provided, single submitter. Criteria: ACMG Guidelines, 2015. Collection method: clinical testing. Allele origin: unknown. Affected: yes.
Comment: This variant was classified as: Uncertain significance. The available evidence on this variant's pathogenicity is insufficient or conflicting. The following ACMG criteria were applied in classifying this variant: PM2.

NM_000023.4(SGCA):c.781G>T (p.Val261Leu)

Gene: SGCA (sarcoglycan alpha; plus strand). Cytogenetic location: 17q21.33.
Variant type: single nucleotide variant.
Coding change: c.781G>T on transcript NM_000023.4 (MANE Select); coding-DNA position 781, G replaced by T.
Protein change: p.Val261Leu; replaces valine 261 with leucine.
Molecular consequence: missense variant. On other transcripts: intron variant (1).
Genome position (GRCh38, 1-based): chr17:50,170,176, G>T. VCF-style: chr17-50170176-G-T. GRCh37 (hg19) VCF-style: chr17-48247537-G-T.
Other names: c.585-464G>T (NM_001135697.3); short protein forms V261L.
Identifiers: ClinVar variation 931988 (VCV000931988.9), dbSNP rs754703769, ClinGen allele CA400181403.